The following is an entry in ClinVar:

ClinVar aggregate classification (germline): Likely pathogenic (1 of 4 stars; one submission).

Conditions:
ZTTK syndrome (ZTTKS). Also called: ZTTK MULTIPLE CONGENITAL ANOMALIES-MENTAL RETARDATION SYNDROME; Zhu-Tokita-Takenouchi-Kim Syndrome. Identifiers: Orphanet 500150, MedGen C4310696, MONDO:0014936, OMIM 617140.

Submission:

Dasa
Classification: Likely pathogenic for ZTTK syndrome. Last evaluated: 2025-04-15. Review status: criteria provided, single submitter. Criteria: DASA Assertion Criteria. Collection method: clinical testing. Allele origin: germline.
Comment: NM_138927.4(SON):c.4620_4623dup (p.Ala1542Asnfs*3) is a frameshift variant in SON predicted to alter the reading frame and introduce a premature termination codon and is predicted to result in an absent or altered protein product. Loss of function is an established disease mechanism for SON (PMID: 25590979; PMID: 27256762; PMID: 27545680). Also, this variant is absent from population databases. Based on the currently available evidence, this variant is classified as likely pathogenic.

Literature cited by the submitters: PubMed 25590979; PubMed 27256762; PubMed 27545680.

NM_138927.4(SON):c.4620_4623dup (p.Ala1542fs)

Gene: SON (SON DNA and RNA binding protein; plus strand). Cytogenetic location: 21q22.11.
Variant type: Duplication.
Coding change: c.4620_4623dup on transcript NM_138927.4 (MANE Select); coding-DNA positions 4620 to 4623, 4 bases duplicated (AATT; older notation c.4620_4623dupAATT).
Protein change: p.Ala1542fs; shifts the reading frame from alanine 1542.
Molecular consequence: frameshift variant. On other transcripts: non-coding transcript variant (1), intron variant (1).
Genome position (GRCh38, 1-based): chr21:33,553,851-33,553,854, AATT duplicated; duplicating any 4 consecutive bases within chr21:33,553,849-33,553,854 gives the same sequence; the c. name uses the placement nearest the transcript's 3' end. VCF-style (leftmost placement, unchanged base first): chr21-33553848-T-TTTAA. GRCh37 (hg19) VCF-style: chr21-34926154-T-TTTAA.
Other names: c.4620_4623dup, p.Ala1542fs (NM_001291411.2, NM_032195.3); c.245-3305_245-3302dup (NM_001291412.3); short protein forms A1542fs.
Identifiers: ClinVar variation 4880757 (VCV004880757.2).